The following is an entry in ClinVar:

NM_000052.7(ATP7A):c.796T>A (p.Ser266Thr)

Gene: ATP7A (ATPase copper transporting alpha; plus strand). Cytogenetic location: Xq21.1.
Variant type: single nucleotide variant.
Coding change: c.796T>A on transcript NM_000052.7 (MANE Select); coding-DNA position 796, T replaced by A.
Protein change: p.Ser266Thr; replaces serine 266 with threonine.
Molecular consequence: missense variant.
Genome position (GRCh38, 1-based): chrX:77,989,418, T>A. VCF-style: chrX-77989418-T-A. GRCh37 (hg19) VCF-style: chrX-77244914-T-A.
Other names: c.796T>A, p.Ser266Thr (NM_001282224.2); short protein forms S266T.
Identifiers: ClinVar variation 950944 (VCV000950944.9), dbSNP rs2077656822, ClinGen allele CA413600939.

ClinVar aggregate classification (germline): Uncertain significance. Review status: criteria provided, multiple submitters, no conflicts (2 of 4 stars). 3 submissions from 3 submitters: Uncertain significance (2). 1 of the submissions does not count toward it. Last evaluated 2022-12-07.

Conditions:
ATP7A-related disorder. Also called: ATP7A-related condition.
Cutis laxa, X-linked (OHS). Also called: Occipital horn syndrome; EDS IX. Identifiers: Orphanet 198, MedGen C0268353, MONDO:0010572, OMIM 304150.
X-linked distal spinal muscular atrophy type 3. Also called: ATP7A-Related Distal Motor Neuropathy; NEURONOPATHY, DISTAL HEREDITARY MOTOR, X-LINKED; NEUROPATHY, DISTAL HEREDITARY MOTOR, X-LINKED; SPINAL MUSCULAR ATROPHY, DISTAL, X-LINKED RECESSIVE. Identifiers: Orphanet 139557, MedGen C1845359, MONDO:0010338, OMIM 300489.
Menkes kinky-hair syndrome (MNK). Also called: Menkes Disease; Classic Menkes Disease; Copper transport disease. Identifiers: Orphanet 565, MedGen C0022716, MONDO:0010651, OMIM 309400.

Allele frequency attached by ClinVar (database versions not stated): gnomAD exomes 0.00001.

Submissions (3):

Blueprint Genetics
Classification: Uncertain significance. Last evaluated: 2022-12-07. Review status: criteria provided, single submitter. Criteria: ACMG Guidelines, 2015. Collection method: clinical testing. Allele origin: germline.

Labcorp Genetics (formerly Invitae), Labcorp
Classification: Uncertain significance for X-linked distal spinal muscular atrophy type 3; Cutis laxa, X-linked; Menkes kinky-hair syndrome. Last evaluated: 2021-08-24. Review status: criteria provided, single submitter. Criteria: Invitae Variant Classification Sherloc (09022015). Collection method: clinical testing. Allele origin: germline.
Comment: This sequence change replaces serine with threonine at codon 266 of the ATP7A protein (p.Ser266Thr). The serine residue is moderately conserved and there is a small physicochemical difference between serine and threonine. This variant is not present in population databases (ExAC no frequency). This variant has not been reported in the literature in individuals affected with ATP7A-related conditions. Algorithms developed to predict the effect of missense changes on protein structure and function (SIFT, PolyPhen-2, Align-GVGD) all suggest that this variant is likely to be tolerated. In summary, the available evidence is currently insufficient to determine the role of this variant in disease. Therefore, it has been classified as a Variant of Uncertain Significance.

PreventionGenetics, part of Exact Sciences
Classification: Uncertain significance for ATP7A-related condition. Last evaluated: 2024-05-06. Review status: no assertion criteria provided. Collection method: clinical testing. Allele origin: germline. Not counted in ClinVar's aggregate classification.
Comment: The ATP7A c.796T>A variant is predicted to result in the amino acid substitution p.Ser266Thr. To our knowledge, this variant has not been reported in the literature or in a large population database, indicating this variant is rare. At this time, the clinical significance of this variant is uncertain due to the absence of conclusive functional and genetic evidence.